The following is an entry in ClinVar:

ClinVar aggregate classification (germline): Uncertain significance (1 of 4 stars; one submission).

Conditions:
Combined immunodeficiency due to STIM1 deficiency. Also called: IMMUNODEFICIENCY 10; STIM1 DEFICIENCY. Identifiers: Orphanet 169090, Orphanet 317430, MedGen C2748557, MONDO:0013008, OMIM 612783.
Stormorken syndrome (STRMK). Also called: THROMBOCYTOPATHY, ASPLENIA, AND MIOSIS. Identifiers: Orphanet 3204, MedGen C1861451, MONDO:0008497, OMIM 185070.
Myopathy with tubular aggregates (TAM). Also called: Tubular Aggregate Myopathy. Identifiers: Orphanet 2593, MedGen C0410207, MONDO:0008051.

Submission:

Labcorp Genetics (formerly Invitae), Labcorp
Classification: Uncertain significance for Myopathy with tubular aggregates; Combined immunodeficiency due to STIM1 deficiency; Stormorken syndrome. Last evaluated: 2020-01-15. Review status: criteria provided, single submitter. Criteria: Invitae Variant Classification Sherloc (09022015). Collection method: clinical testing. Allele origin: germline.
Comment: This sequence change replaces lysine with arginine at codon 571 of the STIM1 protein (p.Lys571Arg). The lysine residue is weakly conserved and there is a small physicochemical difference between lysine and arginine. This variant is not present in population databases (ExAC no frequency) and has not been reported in the literature in individuals with an STIM1-related disease. Algorithms developed to predict the effect of missense changes on protein structure and function (SIFT, PolyPhen-2, Align-GVGD) all suggest that this variant is likely to be tolerated, but these predictions have not been confirmed by published functional studies. In summary, this variant is a novel missense change that is not predicted to affect protein function. There is no indication that it causes disease, but the available evidence is currently insufficient to prove that conclusively. Therefore, it has been classified as a Variant of Uncertain Significance.

NM_001382567.1(STIM1):c.1805A>G (p.Lys602Arg)

Gene: STIM1 (stromal interaction molecule 1; plus strand). Cytogenetic location: 11p15.4.
Variant type: single nucleotide variant.
Coding change: c.1805A>G on transcript NM_001382567.1 (MANE Select); coding-DNA position 1805, A replaced by G.
Protein change: p.Lys602Arg; replaces lysine 602 with arginine.
Molecular consequence: missense variant. On other transcripts: 3 prime UTR variant (4), non-coding transcript variant (3).
Genome position (GRCh38, 1-based): chr11:4,091,452, A>G. VCF-style: chr11-4091452-A-G. GRCh37 (hg19) VCF-style: chr11-4112682-A-G.
Other names: c.2030A>G, p.Lys677Arg (NM_001277961.3); c.*126A>G (NM_001277962.2, NM_001382578.1, NM_001382579.1 and 1 more transcripts); c.1808A>G, p.Lys603Arg (NM_001382566.1); c.1733A>G, p.Lys578Arg (NM_001382568.1); c.1577A>G, p.Lys526Arg (NM_001382569.1); c.1484A>G, p.Lys495Arg (NM_001382570.1); c.1232A>G, p.Lys411Arg (NM_001382571.1); c.1490A>G, p.Lys497Arg (NM_001382575.1, NM_001382576.1, NM_001382577.1); and 2 more; short protein forms K571R, K677R, K408R, K411R, K495R, K497R, K526R, K578R.
Identifiers: ClinVar variation 461724 (VCV000461724.10), dbSNP rs1554972161, ClinGen allele CA379197046.